The following is an entry in ClinVar:

ClinVar aggregate classification (germline): Pathogenic/Likely pathogenic. Review status: criteria provided, multiple submitters, no conflicts (2 of 4 stars). 3 submissions from 3 submitters: Pathogenic (1); Likely pathogenic (2). Last evaluated 2023-01-05.

Conditions:
Familial X-linked hypophosphatemic vitamin D refractory rickets (XLHRD). Also called: X-Linked Hypophosphatemia; Hypophosphatemic Rickets, X-Linked Dominant; HYPOPHOSPHATEMIC VITAMIN D-RESISTANT RICKETS; Hypophosphatemia, vitamin D-resistant rickets; Vitamin D-resistant rickets, X-linked. Identifiers: Orphanet 89936, MedGen C0733682, MONDO:0010619, OMIM 307800.

Submissions (3):

Labcorp Genetics (formerly Invitae), Labcorp
Classification: Pathogenic. Last evaluated: 2023-01-05. Review status: criteria provided, single submitter. Criteria: Invitae Variant Classification Sherloc (09022015). Collection method: clinical testing. Allele origin: germline.
Comment: For these reasons, this variant has been classified as Pathogenic. Algorithms developed to predict the effect of sequence changes on RNA splicing suggest that this variant may disrupt the consensus splice site. ClinVar contains an entry for this variant (Variation ID: 36678). Disruption of this splice site has been observed in individuals with hypophosphatemia (PMID: 10737991, 30682568). This variant is not present in population databases (gnomAD no frequency). This sequence change affects a donor splice site in intron 3 of the PHEX gene. It is expected to disrupt RNA splicing. Variants that disrupt the donor or acceptor splice site typically lead to a loss of protein function (PMID: 16199547), and loss-of-function variants in PHEX are known to be pathogenic (PMID: 9097956, 9106524, 19219621).

GeneDx
Classification: Likely pathogenic. Last evaluated: 2016-07-26. Review status: criteria provided, single submitter. Criteria: GeneDx Variant Classification (06012015). Collection method: clinical testing. Allele origin: germline. Affected: yes.
Comment: The c.349+1 G>C variant has not been published as a pathogenic variant, nor has it been reported as a benign variant to our knowledge. The variant was not observed in approximately 6,500 individuals of European and African American ancestry in the NHLBI Exome Sequencing Project, indicating it is not a common benign variant in these populations. While this variant destroys the canonical splice donor site in intron 3, the adjacent exon 3 remains in-frame. In the absence of RNA/functional studies, the actual effect of this sequence change in this individual is unknown. Therefore, this variant is likely pathogenic; however, the possibility that it is benign cannot be excluded.

Women's Health and Genetics/Laboratory Corporation of America, LabCorp
Classification: Likely pathogenic for X-linked Hypophosphatemic Rickets. Last evaluated: 2011-08-18. Review status: criteria provided, single submitter. Criteria: LabCorp Variant Classification Summary - May 2015. Collection method: curation, clinical testing. Allele origin: germline. Inheritance: Xlinked unknown. Affected: yes.
ClinVar note: Converted during submission from likely pathogenic to Likely pathogenic.

Literature cited by the submitters: PubMed 10737991 (cited by Labcorp Genetics (formerly Invitae), Labcorp); PubMed 30682568 (cited by Labcorp Genetics (formerly Invitae), Labcorp); PubMed 16199547 (cited by Labcorp Genetics (formerly Invitae), Labcorp); PubMed 9097956 (cited by Labcorp Genetics (formerly Invitae), Labcorp); PubMed 9106524 (cited by Labcorp Genetics (formerly Invitae), Labcorp); PubMed 19219621 (cited by Labcorp Genetics (formerly Invitae), Labcorp).

NM_000444.6(PHEX):c.349+1G>C

Gene: PHEX (phosphate regulating endopeptidase X-linked; plus strand). Cytogenetic location: Xp22.11.
Variant type: single nucleotide variant.
Coding change: c.349+1G>C on transcript NM_000444.6 (MANE Select); the canonical splice donor site of the intron after coding-DNA position 349, G replaced by C.
Molecular consequence: splice donor variant.
Genome position (GRCh38, 1-based): chrX:22,047,212, G>C. VCF-style: chrX-22047212-G-C. GRCh37 (hg19) VCF-style: chrX-22065330-G-C.
Other names: c.349+1G>C (NM_001282754.2).
Identifiers: ClinVar variation 36678 (VCV000036678.7), dbSNP rs193922459, ClinGen allele CA260510.